The following is an entry in ClinVar:

NM_001039803.3(CDK20):c.472C>T (p.Arg158Cys)

Gene: CDK20 (cyclin dependent kinase 20; minus strand). Cytogenetic location: 9q22.1.
Variant type: single nucleotide variant.
Coding change: c.472C>T on transcript NM_001039803.3 (MANE Select); coding-DNA position 472, C replaced by T.
Protein change: p.Arg158Cys; replaces arginine 158 with cysteine.
Molecular consequence: missense variant.
Genome position (GRCh38, 1-based): chr9:87,970,804, G>A on the plus strand (C>T on the coding strand, the complement: CDK20 is on the minus strand). VCF-style: chr9-87970804-G-A. GRCh37 (hg19) VCF-style: chr9-90585719-G-A.
Other names: c.472C>T, p.Arg158Cys (NM_001170639.2, NM_001170640.2, NM_012119.5); c.511C>T, p.Arg171Cys (NM_178432.4); short protein forms R158C, R171C.
Identifiers: ClinVar variation 3054204 (VCV003054204.2), dbSNP rs138173042, ClinGen allele CA5114155.

ClinVar aggregate classification (germline): Likely benign (0 of 4 stars; one submission).

Conditions:
CDK20-related disorder. Also called: CDK20-related condition.

Allele frequency attached by ClinVar (database versions not stated): gnomAD exomes 0.00006; ExAC 0.00029; 1000 Genomes Project 30x 0.00031; 1000 Genomes Project 0.00040; gnomAD 0.00043; TOPMed 0.00046; ESP Exome Variant Server 0.00069.

Submission:

PreventionGenetics, part of Exact Sciences
Classification: Likely benign for CDK20-related condition. Last evaluated: 2022-12-18. Review status: no assertion criteria provided. Collection method: clinical testing. Allele origin: germline.
Comment: This variant is classified as likely benign based on ACMG/AMP sequence variant interpretation guidelines (Richards et al. 2015 PMID: 25741868, with internal and published modifications).